The following is an entry in ClinVar:

ClinVar aggregate classification (germline): Pathogenic (1 of 4 stars; one submission).

Submission:

GeneDx
Classification: Pathogenic. Last evaluated: 2023-07-23. Review status: criteria provided, single submitter. Criteria: GeneDx Variant Classification Process June 2021. Collection method: clinical testing. Allele origin: germline.
Comment: Not observed at significant frequency in large population cohorts (gnomAD); Nonsense indel variant predicted to result in protein truncation or nonsense mediated decay in a gene for which loss of function is a known mechanism of disease; This variant is associated with the following publications: (PMID: 31785789, 28135719)

NM_001042424.3(NSD2):c.3530_3531del (p.Thr1176_Phe1177insTer)

Gene: NSD2 (nuclear receptor binding SET domain protein 2; plus strand). Cytogenetic location: 4p16.3.
Variant type: Deletion.
Coding change: c.3530_3531del on transcript NM_001042424.3 (MANE Select); coding-DNA positions 3530 to 3531, 2 bases deleted (TT; older notation c.3530_3531delTT).
Protein change: p.Thr1176_Phe1177insTer.
Molecular consequence: nonsense.
Genome position (GRCh38, 1-based): chr4:1,975,309-1,975,310, TT deleted; deleting any 2 consecutive bases within chr4:1,975,307-1,975,310 gives the same sequence; the c. name uses the placement nearest the transcript's 3' end. VCF-style (leftmost placement, unchanged base first): chr4-1975306-CTT-C. GRCh37 (hg19) VCF-style: chr4-1977033-CTT-C.
Other names: c.3530_3531del, p.Thr1176_Phe1177insTer (NM_133330.3, NM_133331.3, NM_133335.4).
Identifiers: ClinVar variation 1804473 (VCV001804473.2), dbSNP rs2474751204, ClinGen allele CA658779710.